The following is an entry in ClinVar:

NM_001318789.2(TLR2):c.1232C>T (p.Thr411Ile)

Gene: TLR2 (toll like receptor 2; plus strand). Cytogenetic location: 4q31.3.
Variant type: single nucleotide variant.
Coding change: c.1232C>T on transcript NM_001318789.2 (MANE Select); coding-DNA position 1232, C replaced by T.
Protein change: p.Thr411Ile; replaces threonine 411 with isoleucine.
Molecular consequence: missense variant.
Genome position (GRCh38, 1-based): chr4:153,704,139, C>T. VCF-style: chr4-153704139-C-T. GRCh37 (hg19) VCF-style: chr4-154625291-C-T.
Other names: c.1232C>T, p.Thr411Ile (NM_001318787.2, NM_001318790.2, NM_001318791.2 and 4 more transcripts); short protein forms T411I.
Identifiers: ClinVar variation 3053334 (VCV003053334.2), dbSNP rs5743699, ClinGen allele CA3110857.

ClinVar aggregate classification (germline): Benign (0 of 4 stars; one submission).

Conditions:
TLR2-related disorder. Also called: TLR2-related condition.

Allele frequency attached by ClinVar (database versions not stated): ESP Exome Variant Server 0.00008; gnomAD exomes 0.00106; gnomAD 0.00121; 1000 Genomes Project 0.00300; TOPMed 0.00311; 1000 Genomes Project 30x 0.00344; ExAC 0.00384.
gnomAD v4.1: 1,724 of 1,613,496 alleles (0.11%); highest among the groups gnomAD compares: Admixed American, 2.3%; 36 homozygotes.

Submission:

PreventionGenetics, part of Exact Sciences
Classification: Benign for TLR2-related condition. Last evaluated: 2019-04-05. Review status: no assertion criteria provided. Collection method: clinical testing. Allele origin: germline.
Comment: This variant is classified as benign based on ACMG/AMP sequence variant interpretation guidelines (Richards et al. 2015 PMID: 25741868, with internal and published modifications).